The following is an entry in ClinVar:

ClinVar aggregate classification (germline): Conflicting classifications of pathogenicity. Review status: criteria provided, conflicting classifications (1 of 4 stars). 2 submissions from 2 submitters: Likely pathogenic (1); Uncertain significance (1). Last evaluated 2026-07-17.

Conditions:
Wolfram syndrome 1 (WFS1). Identifiers: Orphanet 3463, MedGen C4551693, MONDO:0009101, OMIM 222300.

Allele frequency attached by ClinVar (database versions not stated): gnomAD exomes below 0.00001 and 0.00001.

Submissions (2):

Metabolic Disorders Research Center, Endocrinology and Metabolism Molecular-Cellular Sciences, Tehran University of Medical Sciences
Classification: Likely pathogenic for Wolfram syndrome 1. Last evaluated: 2026-07-17. Review status: criteria provided, single submitter. Criteria: ACMG Guidelines, 2015. Collection method: clinical testing. Allele origin: germline. Inheritance: Autosomal recessive inheritance. Affected: yes. Observed: 1 variant allele.
Comment: Evidence codes: PP3, PM2, PM5 .

ARUP Laboratories, Molecular Genetics and Genomics, ARUP Laboratories
Classification: Uncertain significance. Last evaluated: 2017-07-11. Review status: criteria provided, single submitter. Criteria: ARUP Molecular Germline Variant Investigation Process. Collection method: clinical testing. Allele origin: germline.
Comment: This variant is listed in the genome Aggregation Database (gnomAD) on a single chromosome (identified on 1 out of 241,628 chromosomes). The glycine at position 736 is highly conserved, up to Fruitfly (considering 13 species) (Alamut v.2.9.0 and computational analyses of the effects of the p.Gly736Asp variant on protein structure and function predict a deleterious effect (SIFT: damaging, MutationTaster: disease causing, PolyPhen-2: probably damaging). Altogether, there is not enough evidence to classify the p.Gly736Asp variant with certainty.

NM_006005.3(WFS1):c.2207G>A (p.Gly736Asp)

Gene: WFS1 (wolframin ER transmembrane glycoprotein; plus strand). Cytogenetic location: 4p16.1.
Variant type: single nucleotide variant.
Coding change: c.2207G>A on transcript NM_006005.3 (MANE Select); coding-DNA position 2207, G replaced by A.
Protein change: p.Gly736Asp; replaces glycine 736 with aspartic acid.
Molecular consequence: missense variant.
Genome position (GRCh38, 1-based): chr4:6,302,002, G>A. VCF-style: chr4-6302002-G-A. GRCh37 (hg19) VCF-style: chr4-6303729-G-A.
Other names: c.2207G>A, p.Gly736Asp (NM_001145853.1); short protein forms G736D.
Identifiers: ClinVar variation 618493 (VCV000618493.10), dbSNP rs71530912, ClinGen allele CA91796942.